The following is an entry in ClinVar:

ClinVar aggregate classification (germline): Pathogenic (1 of 4 stars; one submission).

Conditions:
Glycogen storage disease, type IV (GSD4). Also called: AMYLOPECTINOSIS; ANDERSEN DISEASE; BRANCHER DEFICIENCY; CIRRHOSIS, FAMILIAL, WITH DEPOSITION OF ABNORMAL GLYCOGEN; GBE1 DEFICIENCY; GLYCOGEN BRANCHING ENZYME DEFICIENCY. Identifiers: Orphanet 367, MedGen C0017923, MONDO:0009292, OMIM 232500.

Submission:

Myriad Genetics, Inc.
Classification: Pathogenic for Glycogen storage disease, type IV. Last evaluated: 2025-02-26. Review status: criteria provided, single submitter. Criteria: Myriad Autosomal Dominant, Autosomal Recessive and X-Linked Classification Criteria (2023). Collection method: clinical testing. Allele origin: unknown.
Comment: NM_000158.3(GBE1):c.946A>T(R316*) is expected to be pathogenic in the context of glycogen storage disease, GBE1-related. This variant is predicted to lead to an abnormal or absent protein product due to the creation of a premature termination codon in GBE1, a gene where loss-of-function variants are known to be pathogenic. Please note: this variant was assessed in the context of healthy population screening.

NM_000158.4(GBE1):c.946A>T (p.Arg316Ter)

Gene: GBE1 (1,4-alpha-glucan branching enzyme 1; minus strand). Cytogenetic location: 3p12.2.
Variant type: single nucleotide variant.
Coding change: c.946A>T on transcript NM_000158.4 (MANE Select); coding-DNA position 946, A replaced by T.
Protein change: p.Arg316Ter; replaces arginine 316 with a stop codon.
Molecular consequence: nonsense.
Genome position (GRCh38, 1-based): chr3:81,642,827, T>A on the plus strand (A>T on the coding strand, the complement: GBE1 is on the minus strand). VCF-style: chr3-81642827-T-A. GRCh37 (hg19) VCF-style: chr3-81691978-T-A.
Other names: short protein forms R316*.
Identifiers: ClinVar variation 5014131 (VCV005014131.1).